The following is an entry in ClinVar:

NM_000179.3(MSH6):c.254C>G (p.Pro85Arg)

Genes: MSH6 (mutS homolog 6; plus strand), LOC129933707 (ATAC-STARR-seq lymphoblastoid silent region 11468; plus strand). Cytogenetic location: 2p16.3.
Variant type: single nucleotide variant.
Coding change: c.254C>G on transcript NM_000179.3 (MANE Select); coding-DNA position 254, C replaced by G.
Protein change: p.Pro85Arg; replaces proline 85 with arginine.
Molecular consequence: missense variant. On other transcripts: 5 prime UTR variant (7), non-coding transcript variant (5), intron variant (7).
Genome position (GRCh38, 1-based): chr2:47,783,487, C>G. VCF-style: chr2-47783487-C-G. GRCh37 (hg19) VCF-style: chr2-48010626-C-G.
Other names: c.-483C>G (NM_001281493.2, NM_001406811.1); c.254C>G, p.Pro85Arg (NM_001406795.1, NM_001406796.1, NM_001406798.1 and 8 more transcripts); c.-75C>G (NM_001406799.1); c.-675C>G (NM_001406807.1); c.-330C>G (NM_001406812.1); c.-741C>G (NM_001406814.1); c.-286C>G (NM_001406816.1); c.-38+256C>G (NM_001406805.1, NM_001406797.1, NM_001406801.1); and 4 more; short protein forms P85R.
Identifiers: ClinVar variation 4890799 (VCV004890799.1).

ClinVar aggregate classification (germline): Uncertain significance (1 of 4 stars; one submission).

Conditions:
Lynch syndrome 5 (LYNCH5). Also called: Hereditary non-polyposis colorectal cancer, type 5; Colorectal cancer, hereditary nonpolyposis, type 5. Identifiers: Orphanet 144, MedGen C1833477, MONDO:0013710, OMIM 614350. Disease mechanism: loss of function.

Submission:

Helix
Classification: Uncertain significance for Lynch syndrome 5. Last evaluated: 2026-06-01. Review status: criteria provided, single submitter. Criteria: ACMG Guidelines, 2015. Collection method: clinical testing. Allele origin: germline. Inheritance: Autosomal dominant inheritance.
Comment: This variant (NM_000179.3:c.254C>G p.Pro85Arg) results in the substitution of proline with arginine at codon 85 in the MSH6 protein. It is a rare variant that is absent from the large gnomAD population database (v4.1). To our knowledge, this variant has not been reported in individuals with MSH6-related conditions in the published literature. In silico prediction from the HCI Database of Prior Probabilities of Pathogenicity suggests that this variant may be benign. In conclusion, since the available evidence is limited, the clinical significance of this variant is unclear at this time. Therefore, it is classified as a Variant of Uncertain Significance.